The following is an entry in ClinVar:

ClinVar aggregate classification (germline): Uncertain significance (1 of 4 stars; one submission).

gnomAD v4.1: 21 of 1,590,610 alleles (0.0013%); highest among the groups gnomAD compares: South Asian, 0.0069%; no homozygotes.

Submission:

Labcorp Genetics (formerly Invitae), Labcorp
Classification: Uncertain significance. Last evaluated: 2025-11-24. Review status: criteria provided, single submitter. Criteria: Invitae Variant Classification Sherloc (09022015). Collection method: clinical testing. Allele origin: germline.
Comment: This sequence change replaces serine, which is neutral and polar, with leucine, which is neutral and non-polar, at codon 753 of the BPTF protein (p.Ser753Leu). This variant is present in population databases (rs764579304, gnomAD 0.004%). This variant has not been reported in the literature in individuals affected with BPTF-related conditions. ClinVar contains an entry for this variant (Variation ID: 3671391). An algorithm developed to predict the effect of missense changes on protein structure and function outputs the following: PolyPhen-2: "Benign". The leucine amino acid residue is found in multiple mammalian species, which suggests that this missense change does not adversely affect protein function. In summary, the available evidence is currently insufficient to determine the role of this variant in disease. Therefore, it has been classified as a Variant of Uncertain Significance.

NM_182641.4(BPTF):c.1880C>T (p.Ser627Leu)

Gene: BPTF (bromodomain PHD finger transcription factor; plus strand). Cytogenetic location: 17q24.2.
Variant type: single nucleotide variant.
Coding change: c.1880C>T on transcript NM_182641.4 (MANE Select); coding-DNA position 1880, C replaced by T.
Protein change: p.Ser627Leu; replaces serine 627 with leucine.
Molecular consequence: missense variant.
Genome position (GRCh38, 1-based): chr17:67,891,859, C>T. VCF-style: chr17-67891859-C-T. GRCh37 (hg19) VCF-style: chr17-65887975-C-T.
Other names: c.2258C>T, p.Ser753Leu (NM_004459.7); short protein forms S753L, S627L.
Identifiers: ClinVar variation 3671391 (VCV003671391.2).